The following is an entry in ClinVar:

NM_001386795.1(DTNA):c.570A>T (p.Thr190=)

Gene: DTNA (dystrobrevin alpha; plus strand). Cytogenetic location: 18q12.1.
Variant type: single nucleotide variant.
Coding change: c.570A>T on transcript NM_001386795.1 (MANE Select); coding-DNA position 570, A replaced by T.
Protein change: p.Thr190=; no amino-acid change (threonine 190 retained).
Molecular consequence: synonymous variant.
Genome position (GRCh38, 1-based): chr18:34,812,080, A>T. VCF-style: chr18-34812080-A-T. GRCh37 (hg19) VCF-style: chr18-32392044-A-T.
Other names: c.570A>T, p.Thr190= (NM_001128175.2, NM_001198938.2, NM_001198939.2 and 35 more transcripts).
Identifiers: ClinVar variation 3778581 (VCV003778581.7).

ClinVar aggregate classification (germline): Likely benign (1 of 4 stars; one submission).

Submission:

CeGaT Center for Human Genetics Tuebingen
Classification: Likely benign. Last evaluated: 2025-03-01. Review status: criteria provided, single submitter. Criteria: CeGaT Center For Human Genetics Tuebingen Variant Classification Criteria Version 2. Collection method: clinical testing. Allele origin: germline. Affected: yes. Observed: 1 variant allele.
Comment: DTNA: PM2:Supporting, BP4, BP7